The following is an entry in ClinVar:

NM_014915.3(ANKRD26):c.3808-1249C>T

Gene: ANKRD26 (ankyrin repeat domain 26; minus strand). Cytogenetic location: 10p12.1.
Variant type: single nucleotide variant.
Coding change: c.3808-1249C>T on transcript NM_014915.3 (MANE Select); 1249 bases into the intron before coding-DNA position 3808, C replaced by T.
Molecular consequence: intron variant.
Genome position (GRCh38, 1-based): chr10:27,030,605, G>A on the plus strand (C>T on the coding strand, the complement: ANKRD26 is on the minus strand). VCF-style: chr10-27030605-G-A. GRCh37 (hg19) VCF-style: chr10-27319534-G-A.
Other names: c.3805-1249C>T (NM_001256053.2).
Identifiers: ClinVar variation 2640372 (VCV002640372.24), dbSNP rs532419397, ClinGen allele CA204445593.

ClinVar aggregate classification (germline): Benign (1 of 4 stars; one submission).

Allele frequency attached by ClinVar (database versions not stated): 1000 Genomes Project 0.00060; 1000 Genomes Project 30x 0.00062; gnomAD 0.00087; TOPMed 0.00098; gnomAD exomes 0.00123.
gnomAD v4.1: 1,153 of 985,154 alleles (0.12%); highest among the groups gnomAD compares: Middle Eastern, 0.21%; no homozygotes.

Submission:

CeGaT Center for Human Genetics Tuebingen
Classification: Benign. Last evaluated: 2023-02-01. Review status: criteria provided, single submitter. Criteria: CeGaT Center For Human Genetics Tuebingen Variant Classification Criteria Version 2. Collection method: clinical testing. Allele origin: germline. Affected: yes. Observed: 2 variant alleles.
Comment: ANKRD26: BS1, BS2